The following is an entry in ClinVar:

ClinVar aggregate classification (germline): Benign/Likely benign. Review status: criteria provided, multiple submitters, no conflicts (2 of 4 stars). 8 submissions from 8 submitters: Benign (3); Likely benign (2). 3 of the submissions do not count toward it. Last evaluated 2026-08-01.

Conditions:
Cardiovascular phenotype. Identifiers: MedGen CN230736.
FOXE3-related disorder. Also called: FOXE3-related condition.
Anterior segment dysgenesis. Also called: Ocular anterior segment dysgenesis. Identifiers: Orphanet 88632, MedGen C1862839, MONDO:0019503, HP:0007700.
Congenital primary aphakia. Also called: ANTERIOR SEGMENT DYSGENESIS 2; Anterior segment dysgenesis 2, multiple subtypes. Identifiers: Orphanet 83461, MedGen C1853230, MONDO:0012456, OMIM 610256.
Familial thoracic aortic aneurysm and aortic dissection (TAAD). Also called: Thoracic aortic aneurysms and dissections. Identifiers: Orphanet 91387, MedGen C4707243, MONDO:0019625.

Allele frequency attached by ClinVar (database versions not stated): ExAC 0.00283; gnomAD 0.00027 and 0.00056; TOPMed 0.00033; 1000 Genomes Project 30x 0.00125; gnomAD exomes 0.00139; 1000 Genomes Project 0.00140.

Submissions (8):

CeGaT Center for Human Genetics Tuebingen
Classification: Likely benign. Last evaluated: 2026-08-01. Review status: criteria provided, single submitter. Criteria: CeGaT Center For Human Genetics Tuebingen Variant Classification Criteria Version 2. Collection method: clinical testing. Allele origin: germline. Affected: yes. Observed: 2 variant alleles.
Comment: FOXE3: BP4, BP7, BS2

Labcorp Genetics (formerly Invitae), Labcorp
Classification: Benign for Anterior segment dysgenesis; Congenital primary aphakia. Last evaluated: 2026-01-25. Review status: criteria provided, single submitter. Criteria: Invitae Variant Classification Sherloc (09022015). Collection method: clinical testing. Allele origin: germline.

CHEO Genetics Diagnostic Laboratory, Children's Hospital of Eastern Ontario
Classification: Benign for Familial thoracic aortic aneurysm and aortic dissection. Last evaluated: 2023-03-08. Review status: criteria provided, single submitter. Criteria: ACMG Guidelines, 2015. Collection method: clinical testing. Allele origin: germline.

Ambry Genetics
Classification: Benign for Cardiovascular phenotype. Last evaluated: 2019-12-19. Review status: criteria provided, single submitter. Criteria: Ambry Variant Classification Scheme 2023. Collection method: clinical testing. Allele origin: germline.

GeneDx
Classification: Likely benign. Last evaluated: 2016-04-19. Review status: criteria provided, single submitter. Criteria: GeneDx Variant Classification (06012015). Collection method: clinical testing. Allele origin: germline. Affected: yes.
Comment: This variant is considered likely benign or benign based on one or more of the following criteria: it is a conservative change, it occurs at a poorly conserved position in the protein, it is predicted to be benign by multiple in silico algorithms, and/or has population frequency not consistent with disease.

PreventionGenetics, part of Exact Sciences
Classification: Benign for FOXE3-related condition. Last evaluated: 2019-09-04. Review status: no assertion criteria provided. Collection method: clinical testing. Allele origin: germline. Not counted in ClinVar's aggregate classification.
Comment: This variant is classified as benign based on ACMG/AMP sequence variant interpretation guidelines (Richards et al. 2015 PMID: 25741868, with internal and published modifications).

Clinical Genetics DNA and cytogenetics Diagnostics Lab, Erasmus MC, Erasmus Medical Center
Classification: Benign. Review status: no assertion criteria provided. Collection method: clinical testing. Allele origin: germline. Affected: yes. Study: VKGL Data-share Consensus. Not counted in ClinVar's aggregate classification.

Clinical Genetics, Academic Medical Center
Classification: Benign. Review status: no assertion criteria provided. Collection method: clinical testing. Allele origin: germline. Affected: yes. Study: VKGL Data-share Consensus. Not counted in ClinVar's aggregate classification.

NM_012186.3(FOXE3):c.234G>A (p.Ala78=)

Genes: FOXE3 (forkhead box E3; plus strand), LINC01389 (long independently transcribed non-coding RNA 1389; minus strand). Cytogenetic location: 1p33.
Variant type: single nucleotide variant.
Coding change: c.234G>A on transcript NM_012186.3 (MANE Select); coding-DNA position 234, G replaced by A.
Protein change: p.Ala78=; no amino-acid change (alanine 78 retained).
Molecular consequence: synonymous variant.
Genome position (GRCh38, 1-based): chr1:47,416,549, G>A. VCF-style: chr1-47416549-G-A. GRCh37 (hg19) VCF-style: chr1-47882221-G-A.
Identifiers: ClinVar variation 385608 (VCV000385608.43), dbSNP rs201158701, ClinGen allele CA842918.